The following is an entry in ClinVar:

NM_016277.5(RAB23):c.619G>A (p.Gly207Ser)

Gene: RAB23 (RAB23, member RAS oncogene family; minus strand). Cytogenetic location: 6p12.1.
Variant type: single nucleotide variant.
Coding change: c.619G>A on transcript NM_016277.5 (MANE Select); coding-DNA position 619, G replaced by A.
Protein change: p.Gly207Ser; replaces glycine 207 with serine.
Molecular consequence: missense variant. On other transcripts: non-coding transcript variant (1).
Genome position (GRCh38, 1-based): chr6:57,190,556, C>T on the plus strand (G>A on the coding strand, the complement: RAB23 is on the minus strand). VCF-style: chr6-57190556-C-T. GRCh37 (hg19) VCF-style: chr6-57055354-C-T.
Other names: c.619G>A (NM_183227.1); c.619G>A, p.Gly207Ser (NM_001278666.2, NM_001278667.2, NM_001278668.2 and 1 more transcripts); short protein forms G207S.
Identifiers: ClinVar variation 357640 (VCV000357640.22), dbSNP rs1040461, ClinGen allele CA3873742.
Genomic context (GRCh38, chr6:57,190,556, plus strand): 5'-TTTTCTTGGTCCTTTGTTTGTTGGGTCTAAGATTGATGACATCTCCACCATTGAGGGTAC[C>T]TGAATTCTGACCGGAGTGACTTCCACCAGATGTATTAAAGACACCTGTATAAATTGAGGG-3'
Protein context (NP_057361.3, residues 197-217): SGGSHSGQNS[Gly207Ser]TLNGGDVINL

ClinVar aggregate classification (germline): Benign/Likely benign. Review status: criteria provided, multiple submitters, no conflicts (2 of 4 stars). 7 submissions from 7 submitters: Benign (4); Likely benign (2). 1 of the submissions does not count toward it. Last evaluated 2026-02-04.

Conditions:
Carpenter syndrome. Identifiers: Orphanet 65759, MedGen C1275078, MONDO:0019012.
RAB23-related Carpenter syndrome. Also called: ACPS II; Carpenter syndrome 1. Identifiers: Orphanet 65759, MedGen C4551510, MONDO:0008710, OMIM 201000.

Allele frequency attached by ClinVar (database versions not stated): gnomAD exomes 0.09833 and 0.08370; ESP Exome Variant Server 0.11502; 1000 Genomes Project 0.11542; gnomAD 0.11850 and 0.11622; TOPMed 0.11176; ExAC 0.09790; 1000 Genomes Project 30x 0.11711.
gnomAD v4.1: 139,852 of 1,613,576 alleles (8.7%); highest among the groups gnomAD compares: African/African-American, 18%; 7,009 homozygotes.

Submissions (7):

Labcorp Genetics (formerly Invitae), Labcorp
Classification: Benign for Carpenter syndrome. Last evaluated: 2026-02-04. Review status: criteria provided, single submitter. Criteria: Invitae Variant Classification Sherloc (09022015). Collection method: clinical testing. Allele origin: germline.

Blueprint Genetics
Classification: Benign. Last evaluated: 2024-11-26. Review status: criteria provided, single submitter. Criteria: ACMG Guidelines, 2015. Collection method: clinical testing. Allele origin: germline.

Women's Health and Genetics/Laboratory Corporation of America, LabCorp
Classification: Likely benign. Last evaluated: 2021-12-03. Review status: criteria provided, single submitter. Criteria: LabCorp Variant Classification Summary - May 2015. Collection method: clinical testing. Allele origin: germline.

Genome-Nilou Lab
Classification: Benign for RAB23-related Carpenter syndrome. Last evaluated: 2021-07-01. Review status: criteria provided, single submitter. Criteria: ACMG Guidelines, 2015. Collection method: clinical testing. Allele origin: germline. Affected: no.

GeneDx
Classification: Benign. Last evaluated: 2018-11-11. Review status: criteria provided, single submitter. Criteria: GeneDx Variant Classification Process June 2021. Collection method: clinical testing. Allele origin: germline. Affected: yes.
Comment: This variant is associated with the following publications: (PMID: 29416296)

Breakthrough Genomics
Classification: Likely benign. Review status: criteria provided, single submitter. Criteria: ACMG Guidelines, 2015. Collection method: not provided. Allele origin: germline. Inheritance: Autosomal recessive inheritance. Affected: yes.

Natera, Inc.
Classification: Benign for Carpenter syndrome 1. Last evaluated: 2019-11-21. Review status: no assertion criteria provided. Collection method: clinical testing. Allele origin: germline. Not counted in ClinVar's aggregate classification.